The following is an entry in ClinVar:

ClinVar aggregate classification (germline): Benign. Review status: criteria provided, multiple submitters, no conflicts (2 of 4 stars). 2 submissions from 2 submitters: Benign (2). Last evaluated 2018-06-14.

Allele frequency attached by ClinVar (database versions not stated): gnomAD 0.85596 and 0.85404; 1000 Genomes Project 0.83387; gnomAD exomes 0.86633; 1000 Genomes Project 30x 0.83417; TOPMed 0.85607.
gnomAD v4.1: 743,416 of 860,442 alleles (86%); highest among the groups gnomAD compares: East Asian, 92%; 322,259 homozygotes.

Submissions (3):

GeneDx
Classification: Benign. Last evaluated: 2018-06-14. Review status: criteria provided, single submitter. Criteria: GeneDx Variant Classification (06012015). Collection method: clinical testing. Allele origin: germline. Affected: yes.
Comment: This variant is considered likely benign or benign based on one or more of the following criteria: it is a conservative change, it occurs at a poorly conserved position in the protein, it is predicted to be benign by multiple in silico algorithms, and/or has population frequency not consistent with disease.

Breakthrough Genomics
Classification: Benign. Review status: criteria provided, single submitter. Criteria: ACMG Guidelines, 2015. Collection method: not provided. Allele origin: germline. Inheritance: Autosomal dominant inheritance. Affected: yes.

Dr. Peter K. Rogan Lab, Western University
No classification provided (evidence only). Condition: Hepatocellular carcinoma. Review status: no classification provided. Collection method: in vitro. Allele origin: not applicable. Functional consequence: retained intron. Not counted in ClinVar's aggregate classification.

NM_006939.4(SOS2):c.2385-87A>G

Gene: SOS2 (SOS Ras/Rho guanine nucleotide exchange factor 2; minus strand). Cytogenetic location: 14q21.3.
Variant type: single nucleotide variant.
Coding change: c.2385-87A>G on transcript NM_006939.4 (MANE Select); 87 bases into the intron before coding-DNA position 2385, A replaced by G.
Molecular consequence: intron variant.
Genome position (GRCh38, 1-based): chr14:50,145,683, T>C on the plus strand (A>G on the coding strand, the complement: SOS2 is on the minus strand). VCF-style: chr14-50145683-T-C. GRCh37 (hg19) VCF-style: chr14-50612401-T-C.
Other names: NC_000014.8:g.50612401T>C.
Identifiers: ClinVar variation 561537 (VCV000561537.3), dbSNP rs1014879, ClinGen allele CA14065391.